The following is an entry in ClinVar:

NM_004208.4(AIFM1):c.1828A>G (p.Ile610Val)

Genes: AIFM1 (apoptosis inducing factor mitochondria associated 1; minus strand), RAB33A (RAB33A, member RAS oncogene family; plus strand). Cytogenetic location: Xq26.1.
Variant type: single nucleotide variant.
Coding change: c.1828A>G on transcript NM_004208.4 (MANE Select); coding-DNA position 1828, A replaced by G.
Protein change: p.Ile610Val; replaces isoleucine 610 with valine.
Molecular consequence: missense variant. On other transcripts: 3 prime UTR variant (1), non-coding transcript variant (1).
Genome position (GRCh38, 1-based): chrX:130,129,571, T>C on the plus strand (A>G on the coding strand, the complement: AIFM1 is on the minus strand). VCF-style: chrX-130129571-T-C. GRCh37 (hg19) VCF-style: chrX-129263546-T-C.
Other names: c.811A>G, p.Ile271Val (NM_001130846.4); c.*1056A>G (NM_001130847.4); c.1816A>G, p.Ile606Val (NM_145812.3); short protein forms I271V, I606V, I610V.
Identifiers: ClinVar variation 4782616 (VCV004782616.1).

ClinVar aggregate classification (germline): Uncertain significance (1 of 4 stars; one submission).

Conditions:
Combined oxidative phosphorylation deficiency. Identifiers: MedGen C4540031, MONDO:0000732.
Charcot-Marie-Tooth Neuropathy X. Identifiers: MedGen CN118851.

Submission:

Labcorp Genetics (formerly Invitae), Labcorp
Classification: Uncertain significance for Charcot-Marie-Tooth Neuropathy X; Combined oxidative phosphorylation deficiency. Last evaluated: 2025-05-04. Review status: criteria provided, single submitter. Criteria: Invitae Variant Classification Sherloc (09022015). Collection method: clinical testing. Allele origin: germline.
Comment: This sequence change replaces isoleucine, which is neutral and non-polar, with valine, which is neutral and non-polar, at codon 610 of the AIFM1 protein (p.Ile610Val). This variant is not present in population databases (gnomAD no frequency). This variant has not been reported in the literature in individuals affected with AIFM1-related conditions. Invitae Evidence Modeling of protein sequence and biophysical properties (such as structural, functional, and spatial information, amino acid conservation, physicochemical variation, residue mobility, and thermodynamic stability) indicates that this missense variant is not expected to disrupt AIFM1 protein function with a negative predictive value of 80%. In summary, the available evidence is currently insufficient to determine the role of this variant in disease. Therefore, it has been classified as a Variant of Uncertain Significance.